The following is an entry in ClinVar:

NM_001374828.1(ARID1B):c.1211GAG[7] (p.Gly411del)

Gene: ARID1B (AT-rich interaction domain 1B; plus strand). Cytogenetic location: 6q25.3.
Variant type: Microsatellite.
Coding change: c.1211GAG[7] on transcript NM_001374828.1 (MANE Select); seven copies in a row of the 3-base unit GAG starting at c.1211; the reference has eight copies in a row; one copy, 3 bases deleted.
Protein change: p.Gly411del; deletes glycine 411.
Molecular consequence: inframe deletion.
Genome position (GRCh38, 1-based): chr6:156,778,912-156,778,914, GAG deleted; deleting any 3 consecutive bases within chr6:156,778,890-156,778,914 gives the same sequence; the position shown is the placement nearest the transcript's 3' end. VCF-style (leftmost placement, unchanged base first): chr6-156778889-CGGA-C. GRCh37 (hg19) VCF-style: chr6-157100023-CGGA-C.
Other names: c.961_963del (NM_020732.3); c.983_985delGAG (NM_020732.3); c.1211GAG[7], p.Gly411del (NM_001371656.1, NM_001374820.1, NM_017519.3); short protein forms G411del.
Identifiers: ClinVar variation 434373 (VCV000434373.34), dbSNP rs747790383, ClinGen allele CA4066716.

ClinVar aggregate classification (germline): Benign/Likely benign. Review status: criteria provided, multiple submitters, no conflicts (2 of 4 stars). 9 submissions from 9 submitters: Benign (5); Likely benign (1). 3 of the submissions do not count toward it. Last evaluated 2026-08-01.

Conditions:
Inborn genetic diseases. Identifiers: MedGen C0950123, MeSH D030342.
ARID1B-Related Disorder. Identifiers: MedGen CN381337.

Submissions (9):

CeGaT Center for Human Genetics Tuebingen
Classification: Benign. Last evaluated: 2026-08-01. Review status: criteria provided, single submitter. Criteria: CeGaT Center For Human Genetics Tuebingen Variant Classification Criteria Version 2. Collection method: clinical testing. Allele origin: germline. Affected: yes. Observed: 6 variant alleles.
Comment: ARID1B: BS1, BS2

Labcorp Genetics (formerly Invitae), Labcorp
Classification: Benign. Last evaluated: 2026-01-28. Review status: criteria provided, single submitter. Criteria: Invitae Variant Classification Sherloc (09022015). Collection method: clinical testing. Allele origin: germline.

Blueprint Genetics
Classification: Likely benign. Last evaluated: 2024-11-26. Review status: criteria provided, single submitter. Criteria: ACMG Guidelines, 2015. Collection method: clinical testing. Allele origin: germline.

GeneDx
Classification: Benign. Last evaluated: 2021-06-01. Review status: criteria provided, single submitter. Criteria: GeneDx Variant Classification Process June 2021. Collection method: clinical testing. Allele origin: germline. Affected: yes.

Genetic Services Laboratory, University of Chicago
Classification: Benign. Last evaluated: 2016-11-08. Review status: criteria provided, single submitter. Criteria: ACMG Guidelines, 2015. Collection method: clinical testing. Allele origin: germline. Affected: no.

Ambry Genetics
Classification: Benign for Inborn genetic diseases. Last evaluated: 2016-07-14. Review status: criteria provided, single submitter. Criteria: Ambry Variant Classification Scheme 2023. Collection method: clinical testing. Allele origin: germline.

PreventionGenetics, part of Exact Sciences
Classification: Benign for ARID1B-related condition. Last evaluated: 2019-03-14. Review status: no assertion criteria provided. Collection method: clinical testing. Allele origin: germline. Not counted in ClinVar's aggregate classification.
Comment: This variant is classified as benign based on ACMG/AMP sequence variant interpretation guidelines (Richards et al. 2015 PMID: 25741868, with internal and published modifications).

Diagnostic Laboratory, Department of Genetics, University Medical Center Groningen
Classification: Benign. Review status: no assertion criteria provided. Collection method: clinical testing. Allele origin: germline. Affected: yes. Study: VKGL Data-share Consensus. Not counted in ClinVar's aggregate classification.

Laboratory of Diagnostic Genome Analysis, Leiden University Medical Center (LUMC)
Classification: Likely benign. Review status: no assertion criteria provided. Collection method: clinical testing. Allele origin: germline. Affected: yes. Study: VKGL Data-share Consensus. Not counted in ClinVar's aggregate classification.